The following is an entry in ClinVar:

ClinVar aggregate classification (germline): Likely benign (1 of 4 stars; one submission).

Allele frequency attached by ClinVar (database versions not stated): ExAC 0.00002; gnomAD exomes 0.00003; TOPMed 0.00003; gnomAD 0.00005; ESP Exome Variant Server 0.00008.
gnomAD v4.1: 47 of 1,601,406 alleles (0.0029%); highest among the groups gnomAD compares: Non-Finnish European, 0.0037%; no homozygotes.

Submission:

CeGaT Center for Human Genetics Tuebingen
Classification: Likely benign. Last evaluated: 2023-04-01. Review status: criteria provided, single submitter. Criteria: CeGaT Center For Human Genetics Tuebingen Variant Classification Criteria Version 2. Collection method: clinical testing. Allele origin: germline. Affected: yes. Observed: 1 variant allele.
Comment: PUF60: BP4, BP7

NM_078480.3(PUF60):c.1065C>T (p.Ser355=)

Gene: PUF60 (poly(U) binding splicing factor 60; minus strand). Cytogenetic location: 8q24.3.
Variant type: single nucleotide variant.
Coding change: c.1065C>T on transcript NM_078480.3 (MANE Select); coding-DNA position 1065, C replaced by T.
Protein change: p.Ser355=; no amino-acid change (serine 355 retained).
Molecular consequence: synonymous variant.
Genome position (GRCh38, 1-based): chr8:143,817,410, G>A on the plus strand (C>T on the coding strand, the complement: PUF60 is on the minus strand). VCF-style: chr8-143817410-G-A. GRCh37 (hg19) VCF-style: chr8-144899580-G-A.
Other names: c.936C>T, p.Ser312= (NM_001136033.3); c.1011C>T, p.Ser337= (NM_001271096.2); c.927C>T, p.Ser309= (NM_001271097.2); c.1062C>T, p.Ser354= (NM_001271098.2); c.978C>T, p.Ser326= (NM_001271099.2); c.885C>T, p.Ser295= (NM_001271100.2); c.1176C>T, p.Ser392= (NM_001362895.2, NM_001362896.2); c.1125C>T, p.Ser375= (NM_001362897.2); and 1 more.
Identifiers: ClinVar variation 2658917 (VCV002658917.24), dbSNP rs371162365, ClinGen allele CA187616077.